The following is an entry in ClinVar:

NM_001354604.2(MITF):c.1031+6T>G

Gene: MITF (melanocyte inducing transcription factor; plus strand). Cytogenetic location: 3p13.
Variant type: single nucleotide variant.
Coding change: c.1031+6T>G on transcript NM_001354604.2 (MANE Select); 6 bases into the intron after coding-DNA position 1031, T replaced by G.
Molecular consequence: intron variant.
Genome position (GRCh38, 1-based): chr3:69,956,536, T>G. VCF-style: chr3-69956536-T-G. GRCh37 (hg19) VCF-style: chr3-70005687-T-G.
Other names: c.962+6T>G (NM_001354607.2); c.857+6T>G (NM_001354608.2, NM_001184967.2); c.1013+6T>G (NM_198159.3); c.1028+6T>G (NM_001354605.2); c.1010+6T>G (NM_001354606.2, NM_006722.3); c.965+6T>G (NM_198177.3); c.710+6T>G (NM_000248.4); c.692+6T>G (NM_198158.3); and 1 more.
Identifiers: ClinVar variation 4786251 (VCV004786251.1).
Genomic context (GRCh38, chr3:69,956,536, plus strand): 5'-ACATAAATGACCGCATTAAAGAACTAGGTACTTTGATTCCCAAGTCAAATGATCCGTGAG[T>G]ACAATCGCGTGTTAATCTGCATCATATATTTTTCGTACCTGAATGTTTTTTCATACGTTG-3'

ClinVar aggregate classification (germline): Uncertain significance (1 of 4 stars; one submission).

Conditions:
Melanoma, cutaneous malignant, susceptibility to, 8. Also called: MELANOMA AND RENAL CELL CARCINOMA, SUSCEPTIBILITY TO; Cutaneous malignant melanoma 8. Identifiers: Orphanet 293822, MedGen C3152204, MONDO:0013759, OMIM 614456.
Tietz syndrome (TADS). Also called: TIETZ ALBINISM-DEAFNESS SYNDROME; ALBINISM-DEAFNESS OF TIETZ; HYPOPIGMENTATION/DEAFNESS OF TIETZ. Identifiers: Orphanet 42665, MedGen C0391816, MONDO:0007077, OMIM 103500.
Waardenburg syndrome type 2A (WS2A). Also called: WAARDENBURG SYNDROME WITHOUT DYSTOPIA CANTHORUM. Identifiers: Orphanet 3440, MedGen C1860339, MONDO:0008671, OMIM 193510.

Submission:

Labcorp Genetics (formerly Invitae), Labcorp
Classification: Uncertain significance for Melanoma, cutaneous malignant, susceptibility to, 8; Waardenburg syndrome type 2A; Tietz syndrome. Last evaluated: 2025-09-28. Review status: criteria provided, single submitter. Criteria: Invitae Variant Classification Sherloc (09022015). Collection method: clinical testing. Allele origin: germline.
Comment: This sequence change falls in intron 7 of the MITF gene. It does not directly change the encoded amino acid sequence of the MITF protein. It affects a nucleotide within the consensus splice site. This variant is not present in population databases (gnomAD no frequency). This variant has not been reported in the literature in individuals affected with MITF-related conditions. Variants that disrupt the consensus splice site are a relatively common cause of aberrant splicing (PMID: 17576681, 9536098). Algorithms developed to predict the effect of sequence changes on RNA splicing suggest that this variant may disrupt the consensus splice site. In summary, the available evidence is currently insufficient to determine the role of this variant in disease. Therefore, it has been classified as a Variant of Uncertain Significance.

Literature cited by the submitters: PubMed 17576681; PubMed 9536098.